The following is an entry in ClinVar:

ClinVar aggregate classification (germline): Uncertain significance. Review status: criteria provided, multiple submitters, no conflicts (2 of 4 stars). 2 submissions from 2 submitters: Uncertain significance (2). Last evaluated 2022-11-17.

Conditions:
Inborn genetic diseases. Identifiers: MedGen C0950123, MeSH D030342.
Hereditary spastic paraplegia 49 (HSAN9). Also called: TECPR2-Related Hereditary Sensory and Autonomic Neuropathy with Intellectual Disability; NEUROPATHY, HEREDITARY SENSORY AND AUTONOMIC, TYPE IX, WITH DEVELOPMENTAL DELAY; Spastic paraplegia 49, autosomal recessive. Identifiers: Orphanet 320385, MedGen C5190860, MONDO:0014016, OMIM 615031.

gnomAD v4.1: 9 of 1,612,486 alleles (0.00056%); highest among the groups gnomAD compares: Middle Eastern, 0.016%; no homozygotes.

Submissions (2):

Ambry Genetics
Classification: Uncertain significance for Inborn genetic diseases. Last evaluated: 2022-11-17. Review status: criteria provided, single submitter. Criteria: Ambry Variant Classification Scheme 2023. Collection method: clinical testing. Allele origin: germline.

Labcorp Genetics (formerly Invitae), Labcorp
Classification: Uncertain significance for Hereditary spastic paraplegia 49. Last evaluated: 2021-08-31. Review status: criteria provided, single submitter. Criteria: Invitae Variant Classification Sherloc (09022015). Collection method: clinical testing. Allele origin: germline.
Comment: This sequence change replaces alanine with threonine at codon 1176 of the TECPR2 protein (p.Ala1176Thr). The alanine residue is highly conserved and there is a small physicochemical difference between alanine and threonine. This variant is not present in population databases (ExAC no frequency). This variant has not been reported in the literature in individuals affected with TECPR2-related conditions. Algorithms developed to predict the effect of missense changes on protein structure and function are either unavailable or do not agree on the potential impact of this missense change (SIFT: "Deleterious"; PolyPhen-2: "Benign"; Align-GVGD: "Class C0"). In summary, the available evidence is currently insufficient to determine the role of this variant in disease. Therefore, it has been classified as a Variant of Uncertain Significance.

NM_014844.5(TECPR2):c.3526G>A (p.Ala1176Thr)

Gene: TECPR2 (tectonin beta-propeller repeat containing 2; plus strand). Cytogenetic location: 14q32.31.
Variant type: single nucleotide variant.
Coding change: c.3526G>A on transcript NM_014844.5 (MANE Select); coding-DNA position 3526, G replaced by A.
Protein change: p.Ala1176Thr; replaces alanine 1176 with threonine.
Molecular consequence: missense variant.
Genome position (GRCh38, 1-based): chr14:102,452,513, G>A. VCF-style: chr14-102452513-G-A. GRCh37 (hg19) VCF-style: chr14-102918850-G-A.
Other names: c.3526G>A, p.Ala1176Thr (NM_001172631.3); short protein forms A1176T.
Identifiers: ClinVar variation 2041150 (VCV002041150.2), dbSNP rs1294728364, ClinGen allele CA391068857.